The following is an entry in ClinVar:

ClinVar aggregate classification (germline): Conflicting classifications of pathogenicity. Review status: criteria provided, conflicting classifications (1 of 4 stars). 3 submissions from 3 submitters: Uncertain significance (2); Likely benign (1). Last evaluated 2025-03-22.

Conditions:
Hereditary spastic paraplegia 6 (SPG6). Also called: SPASTIC PARAPLEGIA 6, AUTOSOMAL DOMINANT. Identifiers: Orphanet 100988, MedGen C1838192, MONDO:0010878, OMIM 600363.

Submissions (3):

Labcorp Genetics (formerly Invitae), Labcorp
Classification: Uncertain significance for Hereditary spastic paraplegia 6. Last evaluated: 2025-03-22. Review status: criteria provided, single submitter. Criteria: Invitae Variant Classification Sherloc (09022015). Collection method: clinical testing. Allele origin: germline.
Comment: This variant, c.21_38del, results in the deletion of 6 amino acid(s) of the NIPA1 protein (p.Ala11_Ala16del), but otherwise preserves the integrity of the reading frame. The frequency data for this variant in the population databases is considered unreliable, as metrics indicate poor data quality at this position in the gnomAD database. This variant has not been reported in the literature in individuals affected with NIPA1-related conditions. ClinVar contains an entry for this variant (Variation ID: 2434357). Experimental studies and prediction algorithms are not available or were not evaluated, and the functional significance of this variant is currently unknown. In summary, the available evidence is currently insufficient to determine the role of this variant in disease. Therefore, it has been classified as a Variant of Uncertain Significance.

Laboratory of Genetics, Children's Clinical University Hospital Latvia
Classification: Likely benign. Last evaluated: 2025-02-16. Review status: criteria provided, single submitter. Criteria: ACMG Guidelines, 2015. Collection method: clinical testing. Allele origin: germline. Affected: yes.

Revvity Omics, Revvity
Classification: Uncertain significance for Hereditary spastic paraplegia 6. Last evaluated: 2021-03-04. Review status: criteria provided, single submitter. Criteria: ACMG Guidelines, 2015. Collection method: clinical testing. Allele origin: germline.

NM_144599.5(NIPA1):c.21_38del (p.Ala11_Ala16del)

Genes: NIPA1 (NIPA magnesium transporter 1; plus strand), LOC130056709 (ATAC-STARR-seq lymphoblastoid silent region 6259; plus strand). Cytogenetic location: 15q11.2.
Variant type: Deletion.
Coding change: c.21_38del on transcript NM_144599.5 (MANE Select); coding-DNA positions 21 to 38, 18 bases deleted (AGCGGCGGCGGCGGCGGC).
Protein change: p.Ala11_Ala16del.
Molecular consequence: inframe deletion. On other transcripts: intron variant (1).
Genome position (GRCh38, 1-based): chr15:22,786,677-22,786,694, AGCGGCGGCGGCGGCGGC deleted; deleting any 18 consecutive bases within chr15:22,786,672-22,786,694 gives the same sequence; the c. name uses the placement nearest the transcript's 3' end. VCF-style (leftmost placement, unchanged base first): chr15-22786671-TGCGGCAGCGGCGGCGGCG-T. GRCh37 (hg19) VCF-style: chr15-23086373-CGCCGCCGCCGCCGCCGCT-C.
Other names: c.-48+429_-48+446del (NM_001142275.1).
Identifiers: ClinVar variation 2434357 (VCV002434357.7), dbSNP rs1314889289, ClinGen allele CA617083349.